The following is an entry in ClinVar:

NM_000179.3(MSH6):c.151A>G (p.Ser51Gly)

Gene: MSH6 (mutS homolog 6; plus strand). Cytogenetic location: 2p16.3.
Variant type: single nucleotide variant.
Coding change: c.151A>G on transcript NM_000179.3 (MANE Select); coding-DNA position 151, A replaced by G.
Protein change: p.Ser51Gly; replaces serine 51 with glycine.
Molecular consequence: missense variant. On other transcripts: 5 prime UTR variant (1).
Genome position (GRCh38, 1-based): chr2:47,783,384, A>G. VCF-style: chr2-47783384-A-G. GRCh37 (hg19) VCF-style: chr2-48010523-A-G.
Other names: c.151A>G, p.Ser51Gly (NM_001281492.2); c.-586A>G (NM_001281493.2); short protein forms S51G.
Identifiers: ClinVar variation 455144 (VCV000455144.15), dbSNP rs1553408276, ClinGen allele CA346734941.
Genomic context (GRCh38, chr2:47,783,384, plus strand): 5'-GGCGGCCGTGCCGCCGCTGCCCCCGGGGCCTCTCCTTCCCCAGGCGGGGATGCGGCCTGG[A>G]GCGAGGCTGGGCCTGGGCCCAGGCCCTTGGCGCGCTCCGCGTCACCGCCCAAGGCGAAGA-3'
Protein context (NP_000170.1, residues 41-61): SPSPGGDAAW[Ser51Gly]EAGPGPRPLA

ClinVar aggregate classification (germline): Uncertain significance. Review status: criteria provided, multiple submitters, no conflicts (2 of 4 stars). 3 submissions from 3 submitters: Uncertain significance (3). Last evaluated 2025-04-05.

Conditions:
Hereditary nonpolyposis colorectal neoplasms. Identifiers: MedGen C0009405, MeSH D003123.
Hereditary cancer-predisposing syndrome. Also called: Hereditary Cancer Syndrome; Hereditary neoplastic syndrome; Neoplastic Syndromes, Hereditary; Tumor predisposition. Identifiers: Orphanet 140162, MedGen C0027672, MeSH D009386, MONDO:0015356.

Submissions (3):

Ambry Genetics
Classification: Uncertain significance for Hereditary cancer-predisposing syndrome. Last evaluated: 2025-04-05. Review status: criteria provided, single submitter. Criteria: Ambry Variant Classification Scheme 2023. Collection method: clinical testing. Allele origin: germline.
Comment: The p.S51G variant (also known as c.151A>G), located in coding exon 1 of the MSH6 gene, results from an A to G substitution at nucleotide position 151. The serine at codon 51 is replaced by glycine, an amino acid with similar properties. This amino acid position is not well conserved in available vertebrate species. In addition, this alteration is predicted to be tolerated by in silico analysis. Since supporting evidence is limited at this time, the clinical significance of this alteration remains unclear.

Labcorp Genetics (formerly Invitae), Labcorp
Classification: Uncertain significance for Hereditary nonpolyposis colorectal neoplasms. Last evaluated: 2024-11-24. Review status: criteria provided, single submitter. Criteria: Invitae Variant Classification Sherloc (09022015). Collection method: clinical testing. Allele origin: germline.
Comment: This sequence change replaces serine, which is neutral and polar, with glycine, which is neutral and non-polar, at codon 51 of the MSH6 protein (p.Ser51Gly). This variant is not present in population databases (gnomAD no frequency). This variant has not been reported in the literature in individuals affected with MSH6-related conditions. ClinVar contains an entry for this variant (Variation ID: 455144). Invitae Evidence Modeling of protein sequence and biophysical properties (such as structural, functional, and spatial information, amino acid conservation, physicochemical variation, residue mobility, and thermodynamic stability) indicates that this missense variant is not expected to disrupt MSH6 protein function with a negative predictive value of 95%. In summary, the available evidence is currently insufficient to determine the role of this variant in disease. Therefore, it has been classified as a Variant of Uncertain Significance.

GeneDx
Classification: Uncertain significance. Last evaluated: 2022-10-14. Review status: criteria provided, single submitter. Criteria: GeneDx Variant Classification Process June 2021. Collection method: clinical testing. Allele origin: germline. Affected: yes.
Comment: Not observed at significant frequency in large population cohorts (gnomAD); In silico analysis supports that this missense variant does not alter protein structure/function; Has not been previously published as pathogenic or benign to our knowledge